The following is an entry in ClinVar:

ClinVar aggregate classification (germline): Uncertain significance. Review status: criteria provided, multiple submitters, no conflicts (2 of 4 stars). 2 submissions from 2 submitters: Uncertain significance (2). Last evaluated 2023-04-05.

Allele frequency attached by ClinVar (database versions not stated): gnomAD exomes 0.00001 and 0.00002; ExAC 0.00002; gnomAD 0.00002; TOPMed 0.00002; ESP Exome Variant Server 0.00008.
gnomAD v4.1: 37 of 1,614,086 alleles (0.0023%); highest among the groups gnomAD compares: Non-Finnish European, 0.0029%; no homozygotes.

Submissions (2):

Ambry Genetics
Classification: Uncertain significance. Last evaluated: 2023-04-05. Review status: criteria provided, single submitter. Criteria: Ambry Variant Classification Scheme 2023. Collection method: clinical testing. Allele origin: germline.

Labcorp Genetics (formerly Invitae), Labcorp
Classification: Uncertain significance. Last evaluated: 2021-10-19. Review status: criteria provided, single submitter. Criteria: Invitae Variant Classification Sherloc (09022015). Collection method: clinical testing. Allele origin: germline.
Comment: In summary, the available evidence is currently insufficient to determine the role of this variant in disease. Therefore, it has been classified as a Variant of Uncertain Significance. Algorithms developed to predict the effect of sequence changes on RNA splicing suggest that this variant may create or strengthen a splice site. Algorithms developed to predict the effect of missense changes on protein structure and function are either unavailable or do not agree on the potential impact of this missense change (SIFT: "Deleterious"; PolyPhen-2: "Possibly Damaging"; Align-GVGD: "Class C0"). This variant has not been reported in the literature in individuals affected with IL23R-related conditions. This variant is present in population databases (rs376725743, ExAC 0.003%). This sequence change replaces glutamic acid with valine at codon 205 of the IL23R protein (p.Glu205Val). The glutamic acid residue is moderately conserved and there is a moderate physicochemical difference between glutamic acid and valine.

NM_144701.3(IL23R):c.614A>T (p.Glu205Val)

Gene: IL23R (interleukin 23 receptor; plus strand). Cytogenetic location: 1p31.3.
Variant type: single nucleotide variant.
Coding change: c.614A>T on transcript NM_144701.3 (MANE Select); coding-DNA position 614, A replaced by T.
Protein change: p.Glu205Val; replaces glutamic acid 205 with valine.
Molecular consequence: missense variant.
Genome position (GRCh38, 1-based): chr1:67,200,859, A>T. VCF-style: chr1-67200859-A-T. GRCh37 (hg19) VCF-style: chr1-67666542-A-T.
Other names: c.614A>T (NM_144701.2); short protein forms E205V.
Identifiers: ClinVar variation 1470927 (VCV001470927.7), dbSNP rs376725743, ClinGen allele CA899764.